The following is an entry in ClinVar:

ClinVar aggregate classification (germline): Likely pathogenic. Review status: reviewed by expert panel (3 of 4 stars). 2 submissions from 2 submitters: Likely pathogenic (1). 1 of the submissions does not count toward it. Last evaluated 2026-09-15.

Conditions:
Creatine transporter deficiency (CCDS1). Also called: CREATINE TRANSPORTER DEFECT; Mental retardation , X-linked with seizures, short stature and midface hypoplasia; Mental retardation , X-linked, with creatine transport deficiency; X-linked creatine transporter deficiency; X-linked creatine deficiency syndrome; SLC6A8-Related Creatine Transporter Deficiency. Identifiers: Orphanet 52503, MedGen C1845862, MONDO:0010305, OMIM 300352.

Submissions (2):

ClinGen Cerebral Creatine Deficiency Syndromes Variant Curation Expert Panel, ClinGen
Classification: Likely pathogenic for Creatine transporter deficiency. Last evaluated: 2026-09-15. Review status: reviewed by expert panel. Criteria: ClinGen CCDS ACMG Specifications SLC6A8 V2.1. Collection method: curation. Allele origin: germline. Inheritance: X-linked inheritance.
Comment: The NM_005629.4:c.340C>A in SLC6A8 is predicted to result in substitution of glutamine by lysine at amino acid 114 (p.Gln114Lys). The computational predictor REVEL gives a score of 0.918 which is above the threshold of 0.75, evidence that correlates with impact to SLC6A8 function (PP3). This variant is not in gnomAD v4.1.0. (PM2_Supporting). Another amino acid change at the same position, c.342G>C (p.Gln114His) (ClinVar Variation ID: 940774) has been classified as likely pathogenic by the ClinGen CCDS VCEP (PM5_Supporting). In summary, this variant meets the criteria to be classified as likely pathogenic for creatine transporter deficiency. SLC6A8-specific ACMG/AMP criteria applied, as specified by the ClinGen Cerebral Creatine Deficiency Syndromes Variant Curation Expert Panel (Specifications Version 2.1.0): PP4_Strong, PP3, PM2_Supporting, PM5_Supporting. (Classification approved by the ClinGen Cerebral Creatine Deficiency Syndromes Variant Curation Expert Panel on September 15, 2026)

Baylor Genetics
Classification: Uncertain significance for Creatine transporter deficiency. Last evaluated: 2017-09-01. Review status: criteria provided, single submitter. Criteria: ACMG Guidelines, 2015. Collection method: clinical testing. Allele origin: maternal. Inheritance: X-linked inheritance. Affected: yes. Not counted in ClinVar's aggregate classification.
Comment: Urinary creatine results consistent with CCDS1.

Literature cited by the submitters: PubMed 25326635 (cited by Baylor Genetics).

NM_005629.4(SLC6A8):c.340C>A (p.Gln114Lys)

Gene: SLC6A8 (solute carrier family 6 member 8; plus strand). Cytogenetic location: Xq28.
Variant type: single nucleotide variant.
Coding change: c.340C>A on transcript NM_005629.4 (MANE Select); coding-DNA position 340, C replaced by A.
Protein change: p.Gln114Lys; replaces glutamine 114 with lysine.
Molecular consequence: missense variant. On other transcripts: 5 prime UTR variant (1).
Genome position (GRCh38, 1-based): chrX:153,690,452, C>A. VCF-style: chrX-153690452-C-A. GRCh37 (hg19) VCF-style: chrX-152955907-C-A.
Other names: NM_005629.4(SLC6A8):c.340C>A; p.Gln114Lys; c.340C>A, p.Gln114Lys (NM_001142805.2); c.-6C>A (NM_001142806.1); short protein forms Q114K.
Identifiers: ClinVar variation 561109 (VCV000561109.4), dbSNP rs1569539246, ClinGen allele CA415077728.